The following is an entry in ClinVar:

NM_017721.5(CC2D1A):c.1882_1891del (p.Val628fs)

Gene: CC2D1A (coiled-coil and C2 domain containing 1A; plus strand). Cytogenetic location: 19p13.12.
Variant type: Deletion.
Coding change: c.1882_1891del on transcript NM_017721.5 (MANE Select); coding-DNA positions 1882 to 1891, 10 bases deleted (GTCCGGGGTC; older notation c.1882_1891delGTCCGGGGTC).
Protein change: p.Val628fs; shifts the reading frame from valine 628.
Molecular consequence: frameshift variant.
Genome position (GRCh38, 1-based): chr19:13,923,753-13,923,762, GTCCGGGGTC deleted; deleting any 10 consecutive bases within chr19:13,923,751-13,923,762 gives the same sequence; the c. name uses the placement nearest the transcript's 3' end. VCF-style (leftmost placement, unchanged base first): chr19-13923750-TTCGTCCGGGG-T. GRCh37 (hg19) VCF-style: chr19-14034563-TTCGTCCGGGG-T.
Other names: c.1882_1891del, p.Val628fs (NM_001411138.1); short protein forms V628fs.
Identifiers: ClinVar variation 2705339 (VCV002705339.3), dbSNP rs2513119050, ClinGen allele CA2697556311.

ClinVar aggregate classification (germline): Pathogenic (1 of 4 stars; one submission).

Submission:

Labcorp Genetics (formerly Invitae), Labcorp
Classification: Pathogenic. Last evaluated: 2023-12-25. Review status: criteria provided, single submitter. Criteria: Invitae Variant Classification Sherloc (09022015). Collection method: clinical testing. Allele origin: germline.
Comment: This sequence change creates a premature translational stop signal (p.Val628Serfs*32) in the CC2D1A gene. It is expected to result in an absent or disrupted protein product. Loss-of-function variants in CC2D1A are known to be pathogenic (PMID: 16033914). This variant is not present in population databases (gnomAD no frequency). This variant has not been reported in the literature in individuals affected with CC2D1A-related conditions. For these reasons, this variant has been classified as Pathogenic.

Literature cited by the submitters: PubMed 16033914.